The following is an entry in ClinVar:

NM_000535.7(PMS2):c.989-14C>A

Gene: PMS2 (PMS1 homolog 2, mismatch repair system component; minus strand). Cytogenetic location: 7p22.1.
Variant type: single nucleotide variant.
Coding change: c.989-14C>A on transcript NM_000535.7 (MANE Select); 14 bases into the intron before coding-DNA position 989, C replaced by A.
Molecular consequence: intron variant.
Genome position (GRCh38, 1-based): chr7:5,989,969, G>T on the plus strand (C>A on the coding strand, the complement: PMS2 is on the minus strand). VCF-style: chr7-5989969-G-T. GRCh37 (hg19) VCF-style: chr7-6029600-G-T.
Other names: c.671-14C>A (NM_001322008.2, NM_001322007.2); c.583+2004C>A (NM_001322010.2); c.584-14C>A (NM_001322004.2, NM_001322003.2, NM_001322009.2 and 1 more transcripts); c.416-14C>A (NM_001322013.2); c.56-14C>A (NM_001322012.2, NM_001322011.2); c.680-14C>A (NM_001322015.2); c.988+2004C>A (NM_001322006.2); c.989-14C>A (NM_001322014.2).
Identifiers: ClinVar variation 516994 (VCV000516994.4), dbSNP rs1554298839, ClinGen allele CA658796882.

ClinVar aggregate classification (germline): Likely benign. Review status: criteria provided, multiple submitters, no conflicts (2 of 4 stars). 2 submissions from 2 submitters: Likely benign (2). Last evaluated 2025-12-06.

Conditions:
Hereditary nonpolyposis colorectal neoplasms. Identifiers: MedGen C0009405, MeSH D003123.

Allele frequency attached by ClinVar (database versions not stated): gnomAD exomes below 0.00001; gnomAD 0.00001.
gnomAD v4.1: 2 of 1,521,770 alleles (0.00013%); highest among the groups gnomAD compares: African/African-American, 0.0014%; no homozygotes.

Submissions (2):

Labcorp Genetics (formerly Invitae), Labcorp
Classification: Likely benign for Hereditary nonpolyposis colorectal neoplasms. Last evaluated: 2025-12-06. Review status: criteria provided, single submitter. Criteria: Invitae Variant Classification Sherloc (09022015). Collection method: clinical testing. Allele origin: germline.

GeneDx
Classification: Likely benign. Last evaluated: 2017-04-21. Review status: criteria provided, single submitter. Criteria: GeneDx Variant Classification (06012015). Collection method: clinical testing. Allele origin: germline. Affected: yes.
Comment: This variant is considered likely benign or benign based on one or more of the following criteria: it is a conservative change, it occurs at a poorly conserved position in the protein, it is predicted to be benign by multiple in silico algorithms, and/or has population frequency not consistent with disease.